The following is an entry in ClinVar:

NM_030632.3(ASXL3):c.1206_1212delinsTCACAT (p.Glu402fs)

Gene: ASXL3 (ASXL transcriptional regulator 3; plus strand). Cytogenetic location: 18q12.1.
Variant type: Indel.
Coding change: c.1206_1212delinsTCACAT on transcript NM_030632.3 (MANE Select); coding-DNA positions 1206 to 1212, ACAACAG replaced by TCACAT.
Protein change: p.Glu402fs; shifts the reading frame from glutamic acid 402.
Molecular consequence: frameshift variant.
Genome position (GRCh38, 1-based): chr18:33,738,610-33,738,616, ACAACAG replaced by TCACAT. VCF-style: chr18-33738610-ACAACAG-TCACAT. GRCh37 (hg19) VCF-style: chr18-31318574-ACAACAG-TCACAT.
Other names: short protein forms E402fs.
Identifiers: ClinVar variation 504003 (VCV000504003.2), dbSNP rs1555742010, ClinGen allele CA658799024.

ClinVar aggregate classification (germline): Pathogenic (1 of 4 stars; one submission).

Submission:

GeneDx
Classification: Pathogenic. Last evaluated: 2018-10-03. Review status: criteria provided, single submitter. Criteria: GeneDx Variant Classification (06012015). Collection method: clinical testing. Allele origin: germline. Affected: yes.
Comment: The c.1206_1212delACAACAGinsTCACAT variant in the ASXL3 gene has not been reportedpreviously as a pathogenic variant nor as a benign variant, to our knowledge. Thec.1206_1212delACAACAGinsTCACAT variant causes a frameshift starting with codon Glutamic Acid402, changes this amino acid to an Aspartic Acid residue, and creates a premature Stop codon atposition 7 of the new reading frame, denoted p.Glu402AspfsX7. This variant is predicted to cause lossof normal protein function either through protein truncation or nonsense-mediated mRNA decay. Thec.1206_1212delACAACAGinsTCACAT variant is not observed in large population cohorts (Lek etal., 2016). We interpret c.1206_1212delACAACAGinsTCACAT as a pathogenic variant.